The following is an entry in ClinVar:

ClinVar aggregate classification (germline): Uncertain significance. Review status: criteria provided, multiple submitters, no conflicts (2 of 4 stars). 5 submissions from 5 submitters: Uncertain significance (4). 1 of the submissions does not count toward it. Last evaluated 2026-06-09.

Conditions:
Inborn genetic diseases. Identifiers: MedGen C0950123, MeSH D030342.
EYS-related disorder. Also called: EYS-related condition.
Retinitis pigmentosa (RP). Identifiers: Orphanet 791, MedGen C0035334, MeSH D012174, MONDO:0019200, OMIM 268000. Inheritance: Autosomal dominant, autosomal recessive and X linked inheritance.

Allele frequency attached by ClinVar (database versions not stated): gnomAD exomes 0.00001; gnomAD 0.00003; 1000 Genomes Project 30x 0.00016; 1000 Genomes Project 0.00020; TOPMed 0.00021.
gnomAD v4.1: 16 of 1,493,296 alleles (0.0011%); highest among the groups gnomAD compares: Admixed American, 0.03%; no homozygotes.

Submissions (5):

PreventionGenetics, part of Exact Sciences
Classification: Uncertain significance for EYS-related condition. Last evaluated: 2026-06-09. Review status: criteria provided, single submitter. Criteria: ACMG Guidelines, 2015. Collection method: clinical testing. Allele origin: germline.
Comment: The EYS c.5654G>T variant is predicted to result in the amino acid substitution p.Cys1885Phe. To our knowledge, this variant has not been reported in the literature. This variant is reported in 0.0087% of alleles in individuals of Latino descent in gnomAD. At this time, the clinical significance of this variant is uncertain due to the absence of conclusive functional and genetic evidence.

Labcorp Genetics (formerly Invitae), Labcorp
Classification: Uncertain significance. Last evaluated: 2022-07-12. Review status: criteria provided, single submitter. Criteria: Invitae Variant Classification Sherloc (09022015). Collection method: clinical testing. Allele origin: germline.
Comment: This sequence change replaces cysteine, which is neutral and slightly polar, with phenylalanine, which is neutral and non-polar, at codon 1885 of the EYS protein (p.Cys1885Phe). This variant is present in population databases (rs528824271, gnomAD 0.009%). This variant has not been reported in the literature in individuals affected with EYS-related conditions. ClinVar contains an entry for this variant (Variation ID: 840323). Algorithms developed to predict the effect of missense changes on protein structure and function (SIFT, PolyPhen-2, Align-GVGD) all suggest that this variant is likely to be tolerated. In summary, the available evidence is currently insufficient to determine the role of this variant in disease. Therefore, it has been classified as a Variant of Uncertain Significance.

Blueprint Genetics
Classification: Uncertain significance. Last evaluated: 2022-06-23. Review status: criteria provided, single submitter. Criteria: ACMG Guidelines, 2015. Collection method: clinical testing. Allele origin: germline.

Ambry Genetics
Classification: Uncertain significance for Inborn genetic diseases. Last evaluated: 2021-09-17. Review status: criteria provided, single submitter. Criteria: Ambry Variant Classification Scheme 2023. Collection method: clinical testing. Allele origin: germline.

Natera, Inc.
Classification: Uncertain significance for Retinitis pigmentosa. Last evaluated: 2020-09-16. Review status: no assertion criteria provided. Collection method: clinical testing. Allele origin: germline. Not counted in ClinVar's aggregate classification.

NM_001142800.2(EYS):c.5654G>T (p.Cys1885Phe)

Gene: EYS (EGF-like photoreceptor maintenance factor; minus strand). Cytogenetic location: 6q12.
Variant type: single nucleotide variant.
Coding change: c.5654G>T on transcript NM_001142800.2 (MANE Select); coding-DNA position 5654, G replaced by T.
Protein change: p.Cys1885Phe; replaces cysteine 1885 with phenylalanine.
Molecular consequence: missense variant.
Genome position (GRCh38, 1-based): chr6:64,439,343, C>A on the plus strand (G>T on the coding strand, the complement: EYS is on the minus strand). VCF-style: chr6-64439343-C-A. GRCh37 (hg19) VCF-style: chr6-65149236-C-A.
Other names: c.5654G>T, p.Cys1885Phe (NM_001292009.2); short protein forms C1885F.
Identifiers: ClinVar variation 840323 (VCV000840323.7), dbSNP rs528824271, ClinGen allele CA140322083.